The following is an entry in ClinVar:

NM_001377265.1(MAPT):c.2286+6G>T

Gene: MAPT (microtubule associated protein tau). Cytogenetic location: 17q21.31.
Variant type: single nucleotide variant.
Coding change: c.2286+6G>T on transcript NM_001377265.1 (MANE Select); 6 bases into the intron after coding-DNA position 2286, G replaced by T.
Molecular consequence: intron variant.
Genome position (GRCh38, 1-based): chr17:46,018,736, G>T. VCF-style: chr17-46018736-G-T. GRCh37 (hg19) VCF-style: chr17-44096102-G-T.
Other names: c.843+6G>T (NM_001377268.1, NM_016841.5); c.2115+6G>T (NM_001123066.4); c.2061+6G>T (NM_016835.5); c.1110+6G>T (NM_005910.6); c.1017+6G>T (NM_001203252.2); c.1995+6G>T (NM_001377266.1); c.1023+6G>T (NM_001123067.4); c.930+6G>T (NM_001203251.2); and 2 more.
Identifiers: ClinVar variation 1037716 (VCV001037716.9), dbSNP rs2076343277, ClinGen allele CA2262104762.

ClinVar aggregate classification (germline): Uncertain significance (1 of 4 stars; one submission).

Conditions:
Frontotemporal dementia (FTD1). Also called: Frontotemporal Dementia with Parkinsonism-17 (FTDP-17); FRONTOTEMPORAL DEMENTIA WITH PARKINSONISM; FRONTOTEMPORAL LOBE DEMENTIA; MULTIPLE SYSTEM TAUOPATHY WITH PRESENILE DEMENTIA; FRONTOTEMPORAL LOBAR DEGENERATION WITH TAU INCLUSIONS; FTLD WITH TAU INCLUSIONS. Identifiers: Orphanet 282, MedGen C0338451, MONDO:0017276, OMIM 600274, HP:0002145.

Submission:

Labcorp Genetics (formerly Invitae), Labcorp
Classification: Uncertain significance for Frontotemporal dementia. Last evaluated: 2020-03-05. Review status: criteria provided, single submitter. Criteria: Invitae Variant Classification Sherloc (09022015). Collection method: clinical testing. Allele origin: germline.
Comment: In summary, the available evidence is currently insufficient to determine the role of this variant in disease. Therefore, it has been classified as a Variant of Uncertain Significance. Nucleotide substitutions within the consensus splice site are a relatively common cause of aberrant splicing (PMID: 17576681, 9536098). Algorithms developed to predict the effect of sequence changes on RNA splicing suggest that this variant is not likely to affect RNA splicing, but this prediction has not been confirmed by published transcriptional studies. This variant has not been reported in the literature in individuals with MAPT-related conditions. This variant is not present in population databases (ExAC no frequency). This sequence change falls in intron 11 of the MAPT gene. It does not directly change the encoded amino acid sequence of the MAPT protein, but it affects a nucleotide within the consensus splice site of the intron.

Literature cited by the submitters: PubMed 17576681; PubMed 9536098.